The following is an entry in ClinVar:

ClinVar aggregate classification (germline): Likely benign. Review status: criteria provided, multiple submitters, no conflicts (2 of 4 stars). 4 submissions from 4 submitters: Likely benign (3). 1 of the submissions does not count toward it. Last evaluated 2025-12-26.

Conditions:
Focal segmental glomerulosclerosis 6 (FSGS6). Identifiers: Orphanet 656, MedGen C3279905, MONDO:0013589, OMIM 614131.
MYO1E-related disorder. Also called: MYO1E-related condition.

Allele frequency attached by ClinVar (database versions not stated): TOPMed 0.00034; gnomAD exomes 0.00045 and 0.00052; gnomAD 0.00046 and 0.00049; ExAC 0.00054; ESP Exome Variant Server 0.00054.
gnomAD v4.1: 809 of 1,614,108 alleles (0.05%); highest among the groups gnomAD compares: Non-Finnish European, 0.064%; 3 homozygotes.

Submissions (4):

Labcorp Genetics (formerly Invitae), Labcorp
Classification: Likely benign. Last evaluated: 2025-12-26. Review status: criteria provided, single submitter. Criteria: Invitae Variant Classification Sherloc (09022015). Collection method: clinical testing. Allele origin: germline.

Laboratory of Genetics, Children's Clinical University Hospital Latvia
Classification: Likely benign. Last evaluated: 2025-02-16. Review status: criteria provided, single submitter. Criteria: ACMG Guidelines, 2015. Collection method: clinical testing. Allele origin: germline. Affected: yes.

Fulgent Genetics
Classification: Likely benign for Focal segmental glomerulosclerosis 6. Last evaluated: 2022-01-18. Review status: criteria provided, single submitter. Criteria: ACMG Guidelines, 2015. Collection method: clinical testing. Allele origin: unknown.

PreventionGenetics, part of Exact Sciences
Classification: Likely benign for MYO1E-related condition. Last evaluated: 2024-09-26. Review status: no assertion criteria provided. Collection method: clinical testing. Allele origin: germline. Not counted in ClinVar's aggregate classification.
Comment: This variant is classified as likely benign based on ACMG/AMP sequence variant interpretation guidelines (Richards et al. 2015 PMID: 25741868, with internal and published modifications).

NM_004998.4(MYO1E):c.669G>A (p.Gln223=)

Gene: MYO1E (myosin IE; minus strand). Cytogenetic location: 15q22.2.
Variant type: single nucleotide variant.
Coding change: c.669G>A on transcript NM_004998.4 (MANE Select); coding-DNA position 669, G replaced by A.
Protein change: p.Gln223=; no amino-acid change (glutamine 223 retained).
Molecular consequence: synonymous variant.
Genome position (GRCh38, 1-based): chr15:59,224,797, C>T on the plus strand (G>A on the coding strand, the complement: MYO1E is on the minus strand). VCF-style: chr15-59224797-C-T. GRCh37 (hg19) VCF-style: chr15-59516996-C-T.
Other names: c.669G>A (NM_004998.3).
Identifiers: ClinVar variation 1078921 (VCV001078921.12), dbSNP rs142105673, ClinGen allele CA7590248.